The following is an entry in ClinVar:

NM_004329.3(BMPR1A):c.1171A>G (p.Thr391Ala)

Gene: BMPR1A (bone morphogenetic protein receptor type 1A; plus strand). Cytogenetic location: 10q23.2.
Variant type: single nucleotide variant.
Coding change: c.1171A>G on transcript NM_004329.3 (MANE Select); coding-DNA position 1171, A replaced by G.
Protein change: p.Thr391Ala; replaces threonine 391 with alanine.
Molecular consequence: missense variant. On other transcripts: non-coding transcript variant (3).
Genome position (GRCh38, 1-based): chr10:86,921,524, A>G. VCF-style: chr10-86921524-A-G. GRCh37 (hg19) VCF-style: chr10-88681281-A-G.
Other names: c.1246A>G, p.Thr416Ala (NM_001406559.1); c.1219A>G, p.Thr407Ala (NM_001406560.1); c.1171A>G, p.Thr391Ala (NM_001406561.1, NM_001406562.1, NM_001406563.1 and 19 more transcripts); c.1165A>G, p.Thr389Ala (NM_001406583.1); c.1087A>G, p.Thr363Ala (NM_001406584.1, NM_001406585.1, NM_001406586.1 and 2 more transcripts); c.829A>G, p.Thr277Ala (NM_001406589.1); short protein forms T277A, T363A, T389A, T391A, T407A, T416A.
Identifiers: ClinVar variation 4867568 (VCV004867568.1).

ClinVar aggregate classification (germline): Uncertain significance (1 of 4 stars; one submission).

Conditions:
Hereditary cancer-predisposing syndrome. Also called: Neoplastic Syndromes, Hereditary; Tumor predisposition; Hereditary Cancer Syndrome; Hereditary neoplastic syndrome. Identifiers: Orphanet 140162, MedGen C0027672, MeSH D009386, MONDO:0015356.

Submission:

Ambry Genetics
Classification: Uncertain significance for Hereditary cancer-predisposing syndrome. Last evaluated: 2026-05-30. Review status: criteria provided, single submitter. Criteria: Ambry Variant Classification Scheme 2023. Collection method: clinical testing. Allele origin: germline.
Comment: The p.T391A variant (also known as c.1171A>G), located in coding exon 9 of the BMPR1A gene, results from an A to G substitution at nucleotide position 1171. The threonine at codon 391 is replaced by alanine, an amino acid with similar properties. This amino acid position is conserved. In addition, the in silico prediction for this alteration is inconclusive. Based on the available evidence, the clinical significance of this variant remains unclear.